The following is an entry in ClinVar:

ClinVar aggregate classification (germline): Uncertain significance (1 of 4 stars; one submission).

Conditions:
Hereditary cancer-predisposing syndrome. Also called: Neoplastic Syndromes, Hereditary; Tumor predisposition; Hereditary neoplastic syndrome; Hereditary Cancer Syndrome. Identifiers: Orphanet 140162, MedGen C0027672, MeSH D009386, MONDO:0015356.

Submission:

Ambry Genetics
Classification: Uncertain significance for Hereditary cancer-predisposing syndrome. Last evaluated: 2023-09-20. Review status: criteria provided, single submitter. Criteria: Ambry Variant Classification Scheme 2023. Collection method: clinical testing. Allele origin: germline.
Comment: The p.C125W variant (also known as c.375C>G), located in coding exon 5 of the PMS2 gene, results from a C to G substitution at nucleotide position 375. The cysteine at codon 125 is replaced by tryptophan, an amino acid with highly dissimilar properties. This amino acid position is conserved. In addition, this alteration is predicted to be deleterious by in silico analysis. Since supporting evidence is limited at this time, the clinical significance of this alteration remains unclear.

NM_000535.7(PMS2):c.375C>G (p.Cys125Trp)

Gene: PMS2 (PMS1 homolog 2, mismatch repair system component; minus strand). Cytogenetic location: 7p22.1.
Variant type: single nucleotide variant.
Coding change: c.375C>G on transcript NM_000535.7 (MANE Select); coding-DNA position 375, C replaced by G.
Protein change: p.Cys125Trp; replaces cysteine 125 with tryptophan.
Molecular consequence: missense variant. On other transcripts: 5 prime UTR variant (29), non-coding transcript variant (1), intron variant (1).
Genome position (GRCh38, 1-based): chr7:6,002,615, G>C on the plus strand (C>G on the coding strand, the complement: PMS2 is on the minus strand). VCF-style: chr7-6002615-G-C. GRCh37 (hg19) VCF-style: chr7-6042246-G-C.
Other names: c.-31C>G (NM_001018040.1, NM_001322003.2, NM_001322004.2 and 25 more transcripts); c.375C>G, p.Cys125Trp (NM_001322006.2, NM_001322014.2, NM_001406869.1 and 8 more transcripts); c.57C>G, p.Cys19Trp (NM_001322007.2, NM_001322008.2, NM_001406876.1 and 4 more transcripts); c.-510C>G (NM_001322011.2, NM_001322012.2); c.66C>G, p.Cys22Trp (NM_001322015.2, NM_001406875.1, NM_001406877.1 and 6 more transcripts); c.561C>G, p.Cys187Trp (NM_001406866.1); c.399C>G, p.Cys133Trp (NM_001406868.1); c.250+1357C>G (NM_001406885.1); short protein forms C125W, C133W, C187W, C19W, C22W.
Identifiers: ClinVar variation 3232028 (VCV003232028.1), dbSNP rs1562690527, ClinGen allele CA366744473.